The following is an entry in ClinVar:

ClinVar aggregate classification (germline): Conflicting classifications of pathogenicity. Review status: criteria provided, conflicting classifications (1 of 4 stars). 3 submissions from 3 submitters: Uncertain significance (1); Likely benign (2). Last evaluated 2026-08-14.

Conditions:
Congenital factor V deficiency. Also called: LABILE FACTOR DEFICIENCY; OWREN PARAHEMOPHILIA; PARAHEMOPHILIA; Hereditary factor V deficiency disease. Identifiers: Orphanet 326, MedGen C0015499, MONDO:0009210, OMIM 227400.
F5-related disorder. Also called: F5-related condition.

Allele frequency attached by ClinVar (database versions not stated): TOPMed 0.00008; 1000 Genomes Project 30x 0.00031; gnomAD 0.00035; 1000 Genomes Project 0.00040; ExAC 0.00064.
gnomAD v4.1: 436 of 1,614,198 alleles (0.027%); highest among the groups gnomAD compares: Middle Eastern, 0.016%; 2 homozygotes.

Submissions (3):

PreventionGenetics, part of Exact Sciences
Classification: Likely benign for F5-related condition. Last evaluated: 2026-08-14. Review status: criteria provided, single submitter. Criteria: ACMG Guidelines, 2015. Collection method: clinical testing. Allele origin: germline.
Comment: This variant is classified as likely benign based on ACMG/AMP sequence variant interpretation guidelines (Richards et al. 2015 PMID: 25741868, with internal and published modifications).

Labcorp Genetics (formerly Invitae), Labcorp
Classification: Likely benign for Congenital factor V deficiency. Last evaluated: 2025-12-23. Review status: criteria provided, single submitter. Criteria: Invitae Variant Classification Sherloc (09022015). Collection method: clinical testing. Allele origin: germline.

Blueprint Genetics
Classification: Uncertain significance. Last evaluated: 2024-11-15. Review status: criteria provided, single submitter. Criteria: ACMG Guidelines, 2015. Collection method: clinical testing. Allele origin: germline.

NM_000130.5(F5):c.112G>T (p.Ala38Ser)

Gene: F5 (coagulation factor V; minus strand). Cytogenetic location: 1q24.2.
Variant type: single nucleotide variant.
Coding change: c.112G>T on transcript NM_000130.5 (MANE Select); coding-DNA position 112, G replaced by T.
Protein change: p.Ala38Ser; replaces alanine 38 with serine.
Molecular consequence: missense variant.
Genome position (GRCh38, 1-based): chr1:169,586,275, C>A on the plus strand (G>T on the coding strand, the complement: F5 is on the minus strand). VCF-style: chr1-169586275-C-A. GRCh37 (hg19) VCF-style: chr1-169555513-C-A.
Other names: short protein forms A38S.
Identifiers: ClinVar variation 2885794 (VCV002885794.5), dbSNP rs184663825, ClinGen allele CA1234736.